The following is an entry in ClinVar:

NM_000395.3(CSF2RB):c.914A>G (p.His305Arg)

Gene: CSF2RB (colony stimulating factor 2 receptor subunit beta; plus strand). Cytogenetic location: 22q12.3.
Variant type: single nucleotide variant.
Coding change: c.914A>G on transcript NM_000395.3 (MANE Select); coding-DNA position 914, A replaced by G.
Protein change: p.His305Arg; replaces histidine 305 with arginine.
Molecular consequence: missense variant.
Genome position (GRCh38, 1-based): chr22:36,930,732, A>G. VCF-style: chr22-36930732-A-G. GRCh37 (hg19) VCF-style: chr22-37326774-A-G.
Other names: short protein forms H305R.
Identifiers: ClinVar variation 1435383 (VCV001435383.8), dbSNP rs2145808507, ClinGen allele CA411408119.
Genomic context (GRCh38, chr22:36,930,732, plus strand): 5'-GGGAGGAAGAGTGCTCCCCAGTGCTGAGGGAGGGGCTCGGCAGCCTCCACACCAGGCACC[A>G]CTGCCAGATTCCCGTGCCCGACCCCGCGACCCACGGCCAATACATCGTCTCTGTTCAGCC-3'
Protein context (NP_000386.1, residues 295-315): EGLGSLHTRH[His305Arg]CQIPVPDPAT

ClinVar aggregate classification (germline): Uncertain significance (1 of 4 stars; one submission).

gnomAD v4.1: 1 of 1,613,566 alleles (0.000062%); no homozygotes.

Submission:

Labcorp Genetics (formerly Invitae), Labcorp
Classification: Uncertain significance. Last evaluated: 2025-06-16. Review status: criteria provided, single submitter. Criteria: Invitae Variant Classification Sherloc (09022015). Collection method: clinical testing. Allele origin: germline.
Comment: This sequence change replaces histidine, which is basic and polar, with arginine, which is basic and polar, at codon 305 of the CSF2RB protein (p.His305Arg). This variant is not present in population databases (gnomAD no frequency). This variant has not been reported in the literature in individuals affected with CSF2RB-related conditions. ClinVar contains an entry for this variant (Variation ID: 1435383). Invitae Evidence Modeling of protein sequence and biophysical properties (such as structural, functional, and spatial information, amino acid conservation, physicochemical variation, residue mobility, and thermodynamic stability) indicates that this missense variant is not expected to disrupt CSF2RB protein function with a negative predictive value of 80%. In summary, the available evidence is currently insufficient to determine the role of this variant in disease. Therefore, it has been classified as a Variant of Uncertain Significance.